The following is an entry in ClinVar:

ClinVar aggregate classification (germline): Uncertain significance (1 of 4 stars; one submission).

gnomAD v4.1: 2 of 1,351,996 alleles (0.00015%); highest among the groups gnomAD compares: Non-Finnish European, 0.00019%; no homozygotes.

Submission:

Labcorp Genetics (formerly Invitae), Labcorp
Classification: Uncertain significance. Last evaluated: 2024-09-12. Review status: criteria provided, single submitter. Criteria: Invitae Variant Classification Sherloc (09022015). Collection method: clinical testing. Allele origin: germline.
Comment: This sequence change replaces tyrosine, which is neutral and polar, with histidine, which is basic and polar, at codon 31 of the DMXL2 protein (p.Tyr31His). This variant is not present in population databases (gnomAD no frequency). This variant has not been reported in the literature in individuals affected with DMXL2-related conditions. An algorithm developed to predict the effect of missense changes on protein structure and function (PolyPhen-2) suggests that this variant is likely to be disruptive. In summary, the available evidence is currently insufficient to determine the role of this variant in disease. Therefore, it has been classified as a Variant of Uncertain Significance.

NM_001378457.1(DMXL2):c.91T>C (p.Tyr31His)

Gene: DMXL2 (Dmx like 2; minus strand). Cytogenetic location: 15q21.2.
Variant type: single nucleotide variant.
Coding change: c.91T>C on transcript NM_001378457.1 (MANE Select); coding-DNA position 91, T replaced by C.
Protein change: p.Tyr31His; replaces tyrosine 31 with histidine.
Molecular consequence: missense variant. On other transcripts: non-coding transcript variant (2).
Genome position (GRCh38, 1-based): chr15:51,576,178, A>G on the plus strand (T>C on the coding strand, the complement: DMXL2 is on the minus strand). VCF-style: chr15-51576178-A-G. GRCh37 (hg19) VCF-style: chr15-51868375-A-G.
Other names: c.91T>C, p.Tyr31His (NM_001378459.1, NM_001378460.1, NM_001378461.1 and 7 more transcripts); short protein forms Y31H.
Identifiers: ClinVar variation 3713594 (VCV003713594.2).